The following is an entry in ClinVar:

NM_006033.4(LIPG):c.766G>A (p.Asp256Asn)

Gene: LIPG (lipase G, endothelial type; plus strand). Cytogenetic location: 18q21.1.
Variant type: single nucleotide variant.
Coding change: c.766G>A on transcript NM_006033.4 (MANE Select); coding-DNA position 766, G replaced by A.
Protein change: p.Asp256Asn; replaces aspartic acid 256 with asparagine.
Molecular consequence: missense variant. On other transcripts: intron variant (1).
Genome position (GRCh38, 1-based): chr18:49,575,563, G>A. VCF-style: chr18-49575563-G-A. GRCh37 (hg19) VCF-style: chr18-47101933-G-A.
Other names: c.572-5852G>A (NM_001308006.2); short protein forms D256N.
Identifiers: ClinVar variation 4708843 (VCV004708843.1).
Genomic context (GRCh38, chr18:49,575,563, plus strand): 5'-GTGGGCCACATTGACATCTACCCCAATGGGGGTGACTTCCAGCCAGGCTGTGGACTCAAC[G>A]ATGTCTTGGGATCAATTGCATATGGAAGTGAGTTCCCTCTTTTCTGCTTTGTGTTTGACT-3'
Protein context (NP_006024.1, residues 246-266): GDFQPGCGLN[Asp256Asn]VLGSIAYGTI

ClinVar aggregate classification (germline): Uncertain significance (1 of 4 stars; one submission).

gnomAD v4.1: 10 of 1,613,998 alleles (0.00062%); highest among the groups gnomAD compares: East Asian, 0.0045%; no homozygotes.

Submission:

Labcorp Genetics (formerly Invitae), Labcorp
Classification: Uncertain significance. Last evaluated: 2025-03-19. Review status: criteria provided, single submitter. Criteria: Invitae Variant Classification Sherloc (09022015). Collection method: clinical testing. Allele origin: germline.
Comment: This sequence change replaces aspartic acid, which is acidic and polar, with asparagine, which is neutral and polar, at codon 256 of the LIPG protein (p.Asp256Asn). This variant is present in population databases (rs750648857, gnomAD 0.006%). This variant has not been reported in the literature in individuals affected with LIPG-related conditions. An algorithm developed to predict the effect of missense changes on protein structure and function (PolyPhen-2) suggests that this variant is likely to be tolerated. In summary, the available evidence is currently insufficient to determine the role of this variant in disease. Therefore, it has been classified as a Variant of Uncertain Significance.